The following is an entry in ClinVar:

ClinVar aggregate classification (germline): Uncertain significance (1 of 4 stars; one submission).

Conditions:
Cardiovascular phenotype. Identifiers: MedGen CN230736.

gnomAD v4.1: 3 of 1,613,982 alleles (0.00019%); highest among the groups gnomAD compares: South Asian, 0.0033%; no homozygotes.

Submission:

Ambry Genetics
Classification: Uncertain significance for Cardiovascular phenotype. Last evaluated: 2025-05-05. Review status: criteria provided, single submitter. Criteria: Ambry Variant Classification Scheme 2023. Collection method: clinical testing. Allele origin: germline.
Comment: The p.V271G variant (also known as c.812T>G), located in coding exon 3 of the PKP2 gene, results from a T to G substitution at nucleotide position 812. The valine at codon 271 is replaced by glycine, an amino acid with dissimilar properties. This amino acid position is conserved. In addition, this alteration is predicted to be tolerated by in silico analysis. Based on the available evidence, the clinical significance of this variant remains unclear.

NM_001005242.3(PKP2):c.812T>G (p.Val271Gly)

Gene: PKP2 (plakophilin 2; minus strand). Cytogenetic location: 12p11.21.
Variant type: single nucleotide variant.
Coding change: c.812T>G on transcript NM_001005242.3 (MANE Select); coding-DNA position 812, T replaced by G.
Protein change: p.Val271Gly; replaces valine 271 with glycine.
Molecular consequence: missense variant.
Genome position (GRCh38, 1-based): chr12:32,878,068, A>C on the plus strand (T>G on the coding strand, the complement: PKP2 is on the minus strand). VCF-style: chr12-32878068-A-C. GRCh37 (hg19) VCF-style: chr12-33031002-A-C.
Other names: c.812T>G, p.Val271Gly (NM_001407155.1, NM_001407156.1, NM_001407157.1 and 2 more transcripts); c.485T>G, p.Val162Gly (NM_001407158.1, NM_001407159.1, NM_001407160.1 and 1 more transcripts); short protein forms V162G, V271G.
Identifiers: ClinVar variation 3933318 (VCV003933318.1).